The following is an entry in ClinVar:

ClinVar aggregate classification (germline): Uncertain significance. Review status: criteria provided, multiple submitters, no conflicts (2 of 4 stars). 3 submissions from 3 submitters: Uncertain significance (3). Last evaluated 2022-08-03.

Conditions:
Inborn genetic diseases. Identifiers: MedGen C0950123, MeSH D030342.

Allele frequency attached by ClinVar (database versions not stated): gnomAD exomes 0.00005 and 0.00011; gnomAD 0.00006; ExAC 0.00009; TOPMed 0.00009.
gnomAD v4.1: 74 of 1,610,766 alleles (0.0046%); highest among the groups gnomAD compares: Admixed American, 0.034%; no homozygotes.

Submissions (3):

Labcorp Genetics (formerly Invitae), Labcorp
Classification: Uncertain significance. Last evaluated: 2022-08-03. Review status: criteria provided, single submitter. Criteria: Invitae Variant Classification Sherloc (09022015). Collection method: clinical testing. Allele origin: germline.
Comment: This sequence change replaces valine, which is neutral and non-polar, with isoleucine, which is neutral and non-polar, at codon 815 of the PTPN23 protein (p.Val815Ile). This variant is present in population databases (rs781750526, gnomAD 0.04%). This variant has not been reported in the literature in individuals affected with PTPN23-related conditions. ClinVar contains an entry for this variant (Variation ID: 1363953). Algorithms developed to predict the effect of missense changes on protein structure and function are either unavailable or do not agree on the potential impact of this missense change (SIFT: "Tolerated"; PolyPhen-2: "Not Available"; Align-GVGD: "Class C0"). In summary, the available evidence is currently insufficient to determine the role of this variant in disease. Therefore, it has been classified as a Variant of Uncertain Significance.

Ambry Genetics
Classification: Uncertain significance for Inborn genetic diseases. Last evaluated: 2022-08-02. Review status: criteria provided, single submitter. Criteria: Ambry Variant Classification Scheme 2023. Collection method: clinical testing. Allele origin: germline.

Breakthrough Genomics
Classification: Uncertain significance. Review status: criteria provided, single submitter. Criteria: ACMG Guidelines, 2015. Collection method: not provided. Allele origin: germline. Inheritance: Autosomal recessive inheritance. Affected: yes.

NM_015466.4(PTPN23):c.2443G>A (p.Val815Ile)

Gene: PTPN23 (protein tyrosine phosphatase non-receptor type 23; plus strand). Cytogenetic location: 3p21.31.
Variant type: single nucleotide variant.
Coding change: c.2443G>A on transcript NM_015466.4 (MANE Select); coding-DNA position 2443, G replaced by A.
Protein change: p.Val815Ile; replaces valine 815 with isoleucine.
Molecular consequence: missense variant.
Genome position (GRCh38, 1-based): chr3:47,410,241, G>A. VCF-style: chr3-47410241-G-A. GRCh37 (hg19) VCF-style: chr3-47451731-G-A.
Other names: c.2065G>A, p.Val689Ile (NM_001304482.2); c.2443G>A (NM_015466.2); short protein forms V689I, V815I.
Identifiers: ClinVar variation 1363953 (VCV001363953.7), dbSNP rs781750526, ClinGen allele CA2366044.